The following is an entry in ClinVar:

NM_203446.3(SYNJ1):c.3340G>A (p.Val1114Ile)

Gene: SYNJ1 (synaptojanin 1; minus strand). Cytogenetic location: 21q22.11.
Variant type: single nucleotide variant.
Coding change: c.3340G>A on transcript NM_203446.3 (MANE Select); coding-DNA position 3340, G replaced by A.
Protein change: p.Val1114Ile; replaces valine 1114 with isoleucine.
Molecular consequence: missense variant.
Genome position (GRCh38, 1-based): chr21:32,645,697, C>T on the plus strand (G>A on the coding strand, the complement: SYNJ1 is on the minus strand). VCF-style: chr21-32645697-C-T. GRCh37 (hg19) VCF-style: chr21-34018007-C-T.
Other names: c.3340G>A, p.Val1114Ile (NM_001160302.2); c.3325G>A, p.Val1109Ile (NM_001160306.2); c.3457G>A, p.Val1153Ile (NM_003895.4); short protein forms V1109I, V1114I, V1153I.
Identifiers: ClinVar variation 969879 (VCV000969879.6), dbSNP rs527362526, ClinGen allele CA10003447.

ClinVar aggregate classification (germline): Uncertain significance. Review status: criteria provided, multiple submitters, no conflicts (2 of 4 stars). 2 submissions from 2 submitters: Uncertain significance (2). Last evaluated 2023-12-28.

Conditions:
Early-onset Parkinson disease 20. Also called: PARKINSON DISEASE 20, AUTOSOMAL RECESSIVE EARLY-ONSET. Identifiers: Orphanet 391411, MedGen C3809824, MONDO:0014233, OMIM 615530.
Developmental and epileptic encephalopathy, 53. Also called: Epileptic encephalopathy, early infantile, 53. Identifiers: MedGen C4479313, MONDO:0033362, OMIM 617389.
Inborn genetic diseases. Identifiers: MedGen C0950123, MeSH D030342.

Allele frequency attached by ClinVar (database versions not stated): gnomAD exomes 0.00001 and 0.00005; gnomAD 0.00005 and 0.00006; TOPMed 0.00008; ExAC 0.00011; 1000 Genomes Project 30x 0.00016; 1000 Genomes Project 0.00020.
gnomAD v4.1: 22 of 1,489,804 alleles (0.0015%); highest among the groups gnomAD compares: African/African-American, 0.027%; no homozygotes.

Submissions (2):

Ambry Genetics
Classification: Uncertain significance for Inborn genetic diseases. Last evaluated: 2023-12-28. Review status: criteria provided, single submitter. Criteria: Ambry Variant Classification Scheme 2023. Collection method: clinical testing. Allele origin: germline.

Labcorp Genetics (formerly Invitae), Labcorp
Classification: Uncertain significance for Developmental and epileptic encephalopathy, 53; Early-onset Parkinson disease 20. Last evaluated: 2022-10-17. Review status: criteria provided, single submitter. Criteria: Invitae Variant Classification Sherloc (09022015). Collection method: clinical testing. Allele origin: germline.
Comment: This sequence change replaces valine, which is neutral and non-polar, with isoleucine, which is neutral and non-polar, at codon 1153 of the SYNJ1 protein (p.Val1153Ile). This variant is present in population databases (rs527362526, gnomAD 0.06%). This variant has not been reported in the literature in individuals affected with SYNJ1-related conditions. ClinVar contains an entry for this variant (Variation ID: 969879). Advanced modeling of protein sequence and biophysical properties (such as structural, functional, and spatial information, amino acid conservation, physicochemical variation, residue mobility, and thermodynamic stability) performed at Invitae indicates that this missense variant is not expected to disrupt SYNJ1 protein function. In summary, the available evidence is currently insufficient to determine the role of this variant in disease. Therefore, it has been classified as a Variant of Uncertain Significance.